The following is an entry in ClinVar:

ClinVar aggregate classification (germline): Uncertain significance. Review status: criteria provided, multiple submitters, no conflicts (2 of 4 stars). 4 submissions from 4 submitters: Uncertain significance (4). Last evaluated 2024-11-28.

Conditions:
Peroxisome biogenesis disorder, complementation group 7 (CG7). Also called: Peroxisome biogenesis disorder, complementation group B. Identifiers: MedGen C1864399.
Inborn genetic diseases. Identifiers: MedGen C0950123, MeSH D030342.

Allele frequency attached by ClinVar (database versions not stated): TOPMed below 0.00001; ExAC 0.00002.

Submissions (4):

Ambry Genetics
Classification: Uncertain significance for Inborn genetic diseases. Last evaluated: 2024-11-28. Review status: criteria provided, single submitter. Criteria: Ambry Variant Classification Scheme 2023. Collection method: clinical testing. Allele origin: germline.

Blueprint Genetics
Classification: Uncertain significance. Last evaluated: 2024-11-26. Review status: criteria provided, single submitter. Criteria: ACMG Guidelines, 2015. Collection method: clinical testing. Allele origin: germline.

Mayo Clinic Laboratories, Mayo Clinic
Classification: Uncertain significance. Last evaluated: 2023-12-29. Review status: criteria provided, single submitter. Criteria: ACMG Guidelines, 2015. Collection method: clinical testing. Allele origin: germline. Observed: 1 variant allele.
Comment: BP4, PM2_moderate

Labcorp Genetics (formerly Invitae), Labcorp
Classification: Uncertain significance for Peroxisome biogenesis disorder, complementation group 7. Last evaluated: 2022-08-31. Review status: criteria provided, single submitter. Criteria: Invitae Variant Classification Sherloc (09022015). Collection method: clinical testing. Allele origin: germline.
Comment: This sequence change replaces arginine, which is basic and polar, with glutamine, which is neutral and polar, at codon 125 of the PEX10 protein (p.Arg125Gln). This variant is present in population databases (rs761845010, gnomAD 0.006%). This variant has not been reported in the literature in individuals affected with PEX10-related conditions. Algorithms developed to predict the effect of missense changes on protein structure and function (SIFT, PolyPhen-2, Align-GVGD) all suggest that this variant is likely to be tolerated. In summary, the available evidence is currently insufficient to determine the role of this variant in disease. Therefore, it has been classified as a Variant of Uncertain Significance.

NM_002617.4(PEX10):c.374G>A (p.Arg125Gln)

Gene: PEX10 (peroxisomal biogenesis factor 10; minus strand). Cytogenetic location: 1p36.32.
Variant type: single nucleotide variant.
Coding change: c.374G>A on transcript NM_002617.4 (MANE Select); coding-DNA position 374, G replaced by A.
Protein change: p.Arg125Gln; replaces arginine 125 with glutamine.
Molecular consequence: missense variant. On other transcripts: 5 prime UTR variant (2), non-coding transcript variant (1).
Genome position (GRCh38, 1-based): chr1:2,408,678, C>T on the plus strand (G>A on the coding strand, the complement: PEX10 is on the minus strand). VCF-style: chr1-2408678-C-T. GRCh37 (hg19) VCF-style: chr1-2340117-C-T.
Other names: p.Arg125Gln; c.374G>A, p.Arg125Gln (NM_001374425.1, NM_153818.2); c.-59G>A (NM_001374426.1, NM_001374427.1); c.374G>A (NM_153818.1); short protein forms R125Q.
Identifiers: ClinVar variation 2142984 (VCV002142984.4), dbSNP rs761845010, ClinGen allele CA538192.